The following is an entry in ClinVar:

NM_001005388.3(NFASC):c.1912G>A (p.Asp638Asn)

Gene: NFASC (neurofascin; plus strand). Cytogenetic location: 1q32.1.
Variant type: single nucleotide variant.
Coding change: c.1912G>A on transcript NM_001005388.3 (MANE Select); coding-DNA position 1912, G replaced by A.
Protein change: p.Asp638Asn; replaces aspartic acid 638 with asparagine.
Molecular consequence: missense variant.
Genome position (GRCh38, 1-based): chr1:204,979,003, G>A. VCF-style: chr1-204979003-G-A. GRCh37 (hg19) VCF-style: chr1-204948131-G-A.
Other names: c.1945G>A, p.Asp649Asn (NM_001160331.2); c.1900G>A, p.Asp634Asn (NM_001160332.2, NM_001365986.1, NM_015090.4); c.1912G>A, p.Asp638Asn (NM_001378329.1); c.1912G>A (NM_001005388.2); short protein forms D634N, D638N, D649N.
Identifiers: ClinVar variation 2639838 (VCV002639838.25), dbSNP rs555392324, ClinGen allele CA1350121.

ClinVar aggregate classification (germline): Conflicting classifications of pathogenicity. Review status: criteria provided, conflicting classifications (1 of 4 stars). 2 submissions from 2 submitters: Uncertain significance (1); Likely benign (1). Last evaluated 2024-03-04.

Conditions:
Inborn genetic diseases. Identifiers: MedGen C0950123, MeSH D030342.

Allele frequency attached by ClinVar (database versions not stated): gnomAD 0.00016; TOPMed 0.00018; ExAC 0.00035.
gnomAD v4.1: 238 of 1,563,074 alleles (0.015%); highest among the groups gnomAD compares: Admixed American, 0.02%; no homozygotes.

Submissions (2):

Ambry Genetics
Classification: Likely benign for Inborn genetic diseases. Last evaluated: 2024-03-04. Review status: criteria provided, single submitter. Criteria: Ambry Variant Classification Scheme 2023. Collection method: clinical testing. Allele origin: germline.

CeGaT Center for Human Genetics Tuebingen
Classification: Uncertain significance. Last evaluated: 2023-08-01. Review status: criteria provided, single submitter. Criteria: CeGaT Center For Human Genetics Tuebingen Variant Classification Criteria Version 2. Collection method: clinical testing. Allele origin: germline. Affected: yes. Observed: 1 variant allele.
Comment: NFASC: PM2